The following is an entry in ClinVar:

ClinVar aggregate classification (germline): Pathogenic (1 of 4 stars; one submission).

Submission:

Labcorp Genetics (formerly Invitae), Labcorp
Classification: Pathogenic. Last evaluated: 2023-05-30. Review status: criteria provided, single submitter. Criteria: Invitae Variant Classification Sherloc (09022015). Collection method: clinical testing. Allele origin: germline.
Comment: This sequence change creates a premature translational stop signal (p.Leu2803Trpfs*5) in the SPEG gene. It is expected to result in an absent or disrupted protein product. Loss-of-function variants in SPEG are known to be pathogenic (PMID: 19118250, 25087613). This variant is not present in population databases (gnomAD no frequency). This variant has not been reported in the literature in individuals affected with SPEG-related conditions. For these reasons, this variant has been classified as Pathogenic.

Literature cited by the submitters: PubMed 19118250; PubMed 25087613.

NM_005876.5(SPEG):c.8406del (p.Leu2803fs)

Genes: ASIC4-AS1 (ASIC4 antisense RNA 1; minus strand), SPEG (striated muscle enriched protein kinase; plus strand). Cytogenetic location: 2q35.
Variant type: Deletion.
Coding change: c.8406del on transcript NM_005876.5 (MANE Select); coding-DNA position 8406, one base deleted (A; older notation c.8406delA).
Protein change: p.Leu2803fs; shifts the reading frame from leucine 2803.
Molecular consequence: frameshift variant.
Genome position (GRCh38, 1-based): chr2:219,489,424, A deleted. VCF-style (leftmost placement, unchanged base first): chr2-219489423-CA-C. GRCh37 (hg19) VCF-style: chr2-220354145-CA-C.
Other names: short protein forms L2803fs.
Identifiers: ClinVar variation 2996793 (VCV002996793.3), dbSNP rs2546008115, ClinGen allele CA2740096475.